The following is an entry in ClinVar:

NM_006206.6(PDGFRA):c.114T>G (p.Val38=)

Gene: PDGFRA (platelet derived growth factor receptor alpha; plus strand). Cytogenetic location: 4q12.
Variant type: single nucleotide variant.
Coding change: c.114T>G on transcript NM_006206.6 (MANE Select); coding-DNA position 114, T replaced by G.
Protein change: p.Val38=; no amino-acid change (valine 38 retained).
Molecular consequence: synonymous variant.
Genome position (GRCh38, 1-based): chr4:54,261,159, T>G. VCF-style: chr4-54261159-T-G. GRCh37 (hg19) VCF-style: chr4-55127326-T-G.
Other names: c.114T>G, p.Val38= (NM_001347827.2, NM_001347829.2); c.189T>G, p.Val63= (NM_001347828.2); c.153T>G, p.Val51= (NM_001347830.2).
Identifiers: ClinVar variation 3416401 (VCV003416401.2).

ClinVar aggregate classification (germline): Benign/Likely benign. Review status: criteria provided, multiple submitters, no conflicts (2 of 4 stars). 2 submissions from 2 submitters: Benign (1); Likely benign (1). Last evaluated 2026-06-16.

Conditions:
Hereditary cancer-predisposing syndrome. Also called: Neoplastic Syndromes, Hereditary; Tumor predisposition; Hereditary Cancer Syndrome; Hereditary neoplastic syndrome. Identifiers: Orphanet 140162, MedGen C0027672, MeSH D009386, MONDO:0015356.
Polyps, multiple and recurrent inflammatory fibroid, gastrointestinal. Identifiers: MedGen C5193005, MONDO:0008285, OMIM 175510.

gnomAD v4.1: 6 of 1,614,180 alleles (0.00037%); highest among the groups gnomAD compares: South Asian, 0.0066%; no homozygotes.

Submissions (2):

Myriad Genetics, Inc.
Classification: Benign for Polyps, multiple and recurrent inflammatory fibroid, gastrointestinal. Last evaluated: 2026-06-16. Review status: criteria provided, single submitter. Criteria: Myriad Autosomal Dominant, Autosomal Recessive and X-Linked Classification Criteria (2023). Collection method: clinical testing. Allele origin: unknown.
Comment: This variant is considered benign. This variant is a silent/synonymous amino acid change and it is not expected to impact splicing.

Ambry Genetics
Classification: Likely benign for Hereditary cancer-predisposing syndrome. Last evaluated: 2024-08-21. Review status: criteria provided, single submitter. Criteria: Ambry Variant Classification Scheme 2023. Collection method: clinical testing. Allele origin: germline.